The following is an entry in ClinVar:

NM_032638.5(GATA2):c.1243G>A (p.Glu415Lys)

Gene: GATA2 (GATA binding protein 2; minus strand). Cytogenetic location: 3q21.3.
Variant type: single nucleotide variant.
Coding change: c.1243G>A on transcript NM_032638.5 (MANE Select); coding-DNA position 1243, G replaced by A.
Protein change: p.Glu415Lys; replaces glutamic acid 415 with lysine.
Molecular consequence: missense variant.
Genome position (GRCh38, 1-based): chr3:128,481,219, C>T on the plus strand (G>A on the coding strand, the complement: GATA2 is on the minus strand). VCF-style: chr3-128481219-C-T. GRCh37 (hg19) VCF-style: chr3-128200062-C-T.
Other names: c.1243G>A, p.Glu415Lys (NM_001145661.2); c.1201G>A, p.Glu401Lys (NM_001145662.1); short protein forms E415K, E401K.
Identifiers: ClinVar variation 539715 (VCV000539715.10), dbSNP rs1345163538, ClinGen allele CA354413009.

ClinVar aggregate classification (germline): Uncertain significance. Review status: criteria provided, multiple submitters, no conflicts (2 of 4 stars). 3 submissions from 3 submitters: Uncertain significance (3). Last evaluated 2025-07-16.

Conditions:
Inborn genetic diseases. Identifiers: MedGen C0950123, MeSH D030342.
GATA2 deficiency with susceptibility to MDS/AML. Identifiers: MedGen CN300066, MONDO:0042982.
Deafness-lymphedema-leukemia syndrome. Also called: Emberger syndrome; Lymphedema, primary, with myelodysplasia. Identifiers: Orphanet 3226, MedGen C3279664, MONDO:0013540, OMIM 614038.
Monocytopenia with susceptibility to infections. Also called: Dendritic cell, monocyte, B lymphocyte, and natural killer lymphocyte deficiency; MONOCYTOPENIA AND MYCOBACTERIAL INFECTION SYNDROME; MONOCYTOPENIA WITH SUSCEPTIBILITY TO MYCOBACTERIAL, FUNGAL, AND PAPILLOMAVIRUS INFECTIONS AND MYELODYSPLASIA; COMBINED IMMUNODEFICIENCY WITH SUSCEPTIBILITY TO MYCOBACTERIAL, VIRAL, AND FUNGAL INFECTIONS; IMMUNODEFICIENCY 21; GATA2 DEFICIENCY. Identifiers: Orphanet 228423, MedGen C3280030, MONDO:0013607, OMIM 614172.

Allele frequency attached by ClinVar (database versions not stated): gnomAD exomes below 0.00001 and 0.00002; TOPMed below 0.00001.

Submissions (3):

Ambry Genetics
Classification: Uncertain significance for Inborn genetic diseases. Last evaluated: 2025-07-16. Review status: criteria provided, single submitter. Criteria: Ambry Variant Classification Scheme 2023. Collection method: clinical testing. Allele origin: germline.
Comment: The p.E415K variant (also known as c.1243G>A), located in coding exon 5 of the GATA2 gene, results from a G to A substitution at nucleotide position 1243. The glutamic acid at codon 415 is replaced by lysine, an amino acid with similar properties. This amino acid position is well conserved in available vertebrate species. In addition, the in silico prediction for this alteration is inconclusive. Based on the available evidence, the clinical significance of this variant remains unclear.

Labcorp Genetics (formerly Invitae), Labcorp
Classification: Uncertain significance for Monocytopenia with susceptibility to infections; Deafness-lymphedema-leukemia syndrome. Last evaluated: 2023-08-11. Review status: criteria provided, single submitter. Criteria: Invitae Variant Classification Sherloc (09022015). Collection method: clinical testing. Allele origin: germline.
Comment: In summary, the available evidence is currently insufficient to determine the role of this variant in disease. Therefore, it has been classified as a Variant of Uncertain Significance. Advanced modeling of protein sequence and biophysical properties (such as structural, functional, and spatial information, amino acid conservation, physicochemical variation, residue mobility, and thermodynamic stability) has been performed at Invitae for this missense variant, however the output from this modeling did not meet the statistical confidence thresholds required to predict the impact of this variant on GATA2 protein function. ClinVar contains an entry for this variant (Variation ID: 539715). This missense change has been observed in individual(s) with clinical features of GATA2-related conditions (PMID: 26702063, 32888943, 34469508). This variant is present in population databases (no rsID available, gnomAD 0.006%). This sequence change replaces glutamic acid, which is acidic and polar, with lysine, which is basic and polar, at codon 415 of the GATA2 protein (p.Glu415Lys).

Molecular Pathology Research Laboratory, SA Pathology
Classification: Uncertain significance for GATA2 deficiency with susceptibility to MDS/AML; Deafness-lymphedema-leukemia syndrome. Last evaluated: 2021-07-06. Review status: criteria provided, single submitter. Criteria: ACMG Guidelines, 2015. Collection method: curation. Allele origin: unknown. Inheritance: Autosomal dominant inheritance. Affected: yes. Observed: 1 variant allele.
Comment: No criteria satisfied

Literature cited by the submitters: PubMed 32888943 (cited by Ambry Genetics and Labcorp Genetics (formerly Invitae), Labcorp); PubMed 34469508 (cited by Ambry Genetics and Labcorp Genetics (formerly Invitae), Labcorp); PubMed 26702063 (cited by Labcorp Genetics (formerly Invitae), Labcorp and Molecular Pathology Research Laboratory, SA Pathology).